The following is an entry in ClinVar:

NM_001281775.3(ZMYND8):c.2254G>C (p.Glu752Gln)

Gene: ZMYND8 (zinc finger MYND-type containing 8; minus strand). Cytogenetic location: 20q13.12.
Variant type: single nucleotide variant.
Coding change: c.2254G>C on transcript NM_001281775.3 (MANE Select); coding-DNA position 2254, G replaced by C.
Protein change: p.Glu752Gln; replaces glutamic acid 752 with glutamine.
Molecular consequence: missense variant.
Genome position (GRCh38, 1-based): chr20:47,246,038, C>G on the plus strand (G>C on the coding strand, the complement: ZMYND8 is on the minus strand). VCF-style: chr20-47246038-C-G. GRCh37 (hg19) VCF-style: chr20-45874782-C-G.
Other names: c.2179G>C, p.Glu727Gln (NM_001281771.3, NM_001281777.3, NM_001281778.3 and 2 more transcripts); c.2194G>C, p.Glu732Gln (NM_001281772.3, NM_001281773.3, NM_001281774.3 and 1 more transcripts); c.2254G>C, p.Glu752Gln (NM_001281776.3, NM_001281783.3, NM_012408.6 and 1 more transcripts); c.1450G>C, p.Glu484Gln (NM_001281779.3, NM_001281780.3); c.2038G>C, p.Glu680Gln (NM_001281781.3, NM_001281784.3); c.2275G>C, p.Glu759Gln (NM_001363714.1); short protein forms E680Q, E484Q, E727Q, E752Q, E732Q, E759Q.
Identifiers: ClinVar variation 4994672 (VCV004994672.1).

ClinVar aggregate classification (germline): Uncertain significance (1 of 4 stars; one submission).

Conditions:
ZMYND8-related disorder. Also called: ZMYND8-related condition.

Submission:

PreventionGenetics, part of Exact Sciences
Classification: Uncertain significance for ZMYND8-related condition. Last evaluated: 2026-06-12. Review status: criteria provided, single submitter. Criteria: ACMG Guidelines, 2015. Collection method: clinical testing. Allele origin: germline.
Comment: The ZMYND8 c.2275G>C variant is predicted to result in the amino acid substitution p.Glu759Gln. To our knowledge, this variant has not been reported in the literature or in a large population database (gnomAD), indicating this variant is rare. At this time, the clinical significance of this variant is uncertain due to the absence of conclusive functional and genetic evidence.